The following is an entry in ClinVar:

ClinVar aggregate classification (germline): Likely benign (1 of 4 stars; one submission).

gnomAD v4.1: 5,651 of 1,548,410 alleles (0.36%); highest among the groups gnomAD compares: Non-Finnish European, 0.41%; 12 homozygotes.

Submission:

CeGaT Center for Human Genetics Tuebingen
Classification: Likely benign. Last evaluated: 2026-03-01. Review status: criteria provided, single submitter. Criteria: CeGaT Center For Human Genetics Tuebingen Variant Classification Criteria Version 2. Collection method: clinical testing. Allele origin: germline. Affected: yes. Observed: 2 variant alleles.
Comment: JPH1: BP4, BS1

NM_020647.4(JPH1):c.-6C>T

Gene: JPH1 (junctophilin 1; minus strand). Cytogenetic location: 8q21.11.
Variant type: single nucleotide variant.
Coding change: c.-6C>T on transcript NM_020647.4 (MANE Select); 6 bases upstream of the start codon, C replaced by T.
Molecular consequence: 5 prime UTR variant.
Genome position (GRCh38, 1-based): chr8:74,321,293, G>A on the plus strand (C>T on the coding strand, the complement: JPH1 is on the minus strand). VCF-style: chr8-74321293-G-A. GRCh37 (hg19) VCF-style: chr8-75233528-G-A.
Other names: c.-6C>T (NM_001317830.2, NM_001363050.1, NM_001363051.1).
Identifiers: ClinVar variation 4820989 (VCV004820989.4).